The following is an entry in ClinVar:

NM_000465.4(BARD1):c.111T>A (p.Ser37Arg)

Gene: BARD1 (BRCA1 associated RING domain 1; minus strand). Cytogenetic location: 2q35.
Variant type: single nucleotide variant.
Coding change: c.111T>A on transcript NM_000465.4 (MANE Select); coding-DNA position 111, T replaced by A.
Protein change: p.Ser37Arg; replaces serine 37 with arginine.
Molecular consequence: missense variant. On other transcripts: non-coding transcript variant (3).
Genome position (GRCh38, 1-based): chr2:214,809,459, A>T on the plus strand (T>A on the coding strand, the complement: BARD1 is on the minus strand). VCF-style: chr2-214809459-A-T. GRCh37 (hg19) VCF-style: chr2-215674183-A-T.
Other names: c.111T>A, p.Ser37Arg (NM_001282543.2, NM_001282545.2, NM_001282548.2 and 1 more transcripts); c.111T>A (NM_000465.2); short protein forms S37R.
Identifiers: ClinVar variation 1050290 (VCV001050290.3), dbSNP rs2106171106, ClinGen allele CA350464983.

ClinVar aggregate classification (germline): Uncertain significance. Review status: criteria provided, single submitter (1 of 4 stars). 2 submissions from 2 submitters: Uncertain significance (1). 1 of the submissions does not count toward it. Last evaluated 2025-11-07.

Conditions:
Hereditary cancer-predisposing syndrome. Also called: Tumor predisposition; Hereditary neoplastic syndrome; Hereditary Cancer Syndrome; Neoplastic Syndromes, Hereditary. Identifiers: Orphanet 140162, MedGen C0027672, MeSH D009386, MONDO:0015356.
Malignant tumor of breast. Also called: Malignant breast neoplasm; Cancer breast. Identifiers: MedGen C0006142, MONDO:0007254. Disease mechanism: loss of function.

Allele frequency attached by ClinVar (database versions not stated): gnomAD exomes below 0.00001.
gnomAD v4.1: 1 of 1,611,268 alleles (0.000062%); highest among the groups gnomAD compares: South Asian, 0.0011%; no homozygotes.

Submissions (2):

Ambry Genetics
Classification: Uncertain significance for Hereditary cancer-predisposing syndrome. Last evaluated: 2025-11-07. Review status: criteria provided, single submitter. Criteria: Ambry Variant Classification Scheme 2023. Collection method: clinical testing. Allele origin: germline.
Comment: The p.S37R variant (also known as c.111T>A), located in coding exon 1 of the BARD1 gene, results from a T to A substitution at nucleotide position 111. The serine at codon 37 is replaced by arginine, an amino acid with dissimilar properties. This amino acid position is highly conserved in available vertebrate species. In addition, the in silico prediction for this alteration is inconclusive. Based on the available evidence, the clinical significance of this variant remains unclear.

Department of Pathology and Laboratory Medicine, Sinai Health System
Classification: Uncertain significance for Malignant tumor of breast. Review status: no assertion criteria provided. Collection method: clinical testing. Allele origin: unknown. Affected: yes. Study: The Canadian Open Genetics Repository (COGR). Not counted in ClinVar's aggregate classification.
Comment: The BARD1 p.Ser37Arg variant was not identified in the literature nor was it identified in the following databases: dbSNP, ClinVar, Cosmic, MutDB, Zhejiang Colon Cancer Database, databases, the 1000 Genomes Project, the NHLBI GO Exome Sequencing Project, the Exome Aggregation Consortium (August 8th 2016), or the Genome Aggregation Database (Feb 27, 2017). The p.Ser37 residue is conserved in mammals but not in more distantly related organisms, and four out of five computational analyses (PolyPhen-2, SIFT, AlignGVGD, BLOSUM, MutationTaster) suggest that the variant may impact the protein; however, this information is not predictive enough to assume pathogenicity. The variant occurs outside of the splicing consensus sequence and 1 of 5 in silico or computational prediction software programs (SpliceSiteFinder, MaxEntScan, NNSPLICE, GeneSplicer, HumanSpliceFinder) predict a greater than 10% difference in splicing; this is not very predictive of pathogenicity. In summary, based on the above information, the clinical significance of this variant cannot be determined with certainty at this time. This variant is classified as a variant of uncertain significance.